The following is an entry in ClinVar:

NM_001009944.3(PKD1):c.4631T>G (p.Val1544Gly)

Gene: PKD1 (polycystin 1, transient receptor potential channel interacting; minus strand). Cytogenetic location: 16p13.3.
Variant type: single nucleotide variant.
Coding change: c.4631T>G on transcript NM_001009944.3 (MANE Select); coding-DNA position 4631, T replaced by G.
Protein change: p.Val1544Gly; replaces valine 1544 with glycine.
Molecular consequence: missense variant.
Genome position (GRCh38, 1-based): chr16:2,110,536, A>C on the plus strand (T>G on the coding strand, the complement: PKD1 is on the minus strand). VCF-style: chr16-2110536-A-C. GRCh37 (hg19) VCF-style: chr16-2160537-A-C.
Other names: c.4631T>G, p.Val1544Gly (NM_000296.4); short protein forms V1544G.
Identifiers: ClinVar variation 522541 (VCV000522541.5), dbSNP rs1555455904, ClinGen allele CA394379557.

ClinVar aggregate classification (germline): Conflicting classifications of pathogenicity. Review status: criteria provided, conflicting classifications (1 of 4 stars). 4 submissions from 4 submitters: Likely pathogenic (1); Uncertain significance (2). 1 of the submissions does not count toward it. Last evaluated 2025-02-07.

Conditions:
Polycystic kidney disease, adult type (PKD1). Also called: POLYCYSTIC KIDNEY DISEASE, ADULT, TYPE I; Polycystic Kidney Disease 1, Autosomal Dominant; Polycystic kidney disease 1; Polycystic kidney disease 1, severe; Polycystic Kidney, Autosomal Dominant; POLYCYSTIC KIDNEY DISEASE 1 WITH OR WITHOUT POLYCYSTIC LIVER DISEASE. Identifiers: MedGen C3149841, MONDO:0008263, OMIM 173900.
PKD1-related disorder. Also called: PKD1-related condition.

Submissions (4):

GeneDx
Classification: Uncertain significance. Last evaluated: 2025-02-07. Review status: criteria provided, single submitter. Criteria: GeneDx Variant Classification Process June 2021. Collection method: clinical testing. Allele origin: germline. Affected: yes.
Comment: Not observed at significant frequency in large population cohorts (gnomAD); In silico analysis supports that this missense variant has a deleterious effect on protein structure/function; This variant is associated with the following publications: (PMID: 30989420, 32398770)

PreventionGenetics, part of Exact Sciences
Classification: Uncertain significance for PKD1-related condition. Last evaluated: 2023-01-31. Review status: criteria provided, single submitter. Criteria: ACMG Guidelines, 2015. Collection method: clinical testing. Allele origin: germline.
Comment: The PKD1 c.4631T>G variant is predicted to result in the amino acid substitution p.Val1544Gly. This variant has been reported in individuals with polycystic kidney disease (Mochizuki et al. 2019. PubMed ID: 30989420, Suppl. Table 4; Schönauer et al. 2020. PubMed ID: 32398770, Table S2). This variant has not been reported in a large population database, indicating this variant is rare. Although we suspect that this variant may be pathogenic, at this time, the clinical significance of this variant is uncertain due to the absence of conclusive functional and genetic evidence.

Blueprint Genetics
Classification: Likely pathogenic for PKD1-related disorders. Last evaluated: 2021-04-09. Review status: criteria provided, single submitter. Criteria: ACMG Guidelines, 2015. Collection method: clinical testing. Allele origin: germline. Affected: yes. Observed: 1 variant allele.

Bioscientia Institut fuer Medizinische Diagnostik GmbH, Sonic Healthcare
Classification: Uncertain significance for Polycystic kidney disease, adult type. Last evaluated: 2017-11-28. Review status: no assertion criteria provided. Collection method: clinical testing. Allele origin: germline. Affected: yes. Not counted in ClinVar's aggregate classification.